The following is an entry in ClinVar:

ClinVar aggregate classification (germline): Benign/Likely benign. Review status: criteria provided, multiple submitters, no conflicts (2 of 4 stars). 3 submissions from 3 submitters: Benign (1); Likely benign (2). Last evaluated 2024-07-15.

Conditions:
Hereditary cancer-predisposing syndrome. Also called: Hereditary Cancer Syndrome; Neoplastic Syndromes, Hereditary; Tumor predisposition; Hereditary neoplastic syndrome. Identifiers: Orphanet 140162, MedGen C0027672, MeSH D009386, MONDO:0015356.
BAP1-related tumor predisposition syndrome (TPDS1). Also called: Tumor susceptibility linked to germline BAP1 mutations; BAP1 tumor predisposition syndrome; COMMON Syndrome; TUMOR PREDISPOSITION SYNDROME 1. Identifiers: Orphanet 289539, MedGen C3280492, MONDO:0013692, OMIM 614327.

Submissions (3):

Myriad Genetics, Inc.
Classification: Benign for BAP1-related tumor predisposition syndrome. Last evaluated: 2024-07-15. Review status: criteria provided, single submitter. Criteria: Myriad Autosomal Dominant, Autosomal Recessive and X-Linked Classification Criteria (2023). Collection method: clinical testing. Allele origin: unknown.
Comment: This variant is considered benign. This variant is a silent/synonymous amino acid change and it is not expected to impact splicing.

Labcorp Genetics (formerly Invitae), Labcorp
Classification: Likely benign for BAP1-related tumor predisposition syndrome. Last evaluated: 2024-05-25. Review status: criteria provided, single submitter. Criteria: Invitae Variant Classification Sherloc (09022015). Collection method: clinical testing. Allele origin: germline.

Color Diagnostics, LLC DBA Color Health
Classification: Likely benign for Hereditary cancer-predisposing syndrome. Last evaluated: 2016-09-08. Review status: criteria provided, single submitter. Criteria: ACMG Guidelines, 2015. Collection method: clinical testing. Allele origin: germline.

NM_004656.4(BAP1):c.729C>G (p.Ala243=)

Gene: BAP1 (BRCA1 associated deubiquitinase 1; minus strand). Cytogenetic location: 3p21.1.
Variant type: single nucleotide variant.
Coding change: c.729C>G on transcript NM_004656.4 (MANE Select); coding-DNA position 729, C replaced by G.
Protein change: p.Ala243=; no amino-acid change (alanine 243 retained).
Molecular consequence: synonymous variant.
Genome position (GRCh38, 1-based): chr3:52,406,307, G>C on the plus strand (C>G on the coding strand, the complement: BAP1 is on the minus strand). VCF-style: chr3-52406307-G-C. GRCh37 (hg19) VCF-style: chr3-52440323-G-C.
Identifiers: ClinVar variation 490885 (VCV000490885.11), dbSNP rs1553645611, ClinGen allele CA433776264.
Genomic context (GRCh38, chr3:52,406,307, plus strand): 5'-ACCTACCTGCTGCAGAGCCTCTAGTACTGTCTGACGGTTCACCTTCAGCACATGCAGCCT[G>C]GCCTCATACTTGATCCTGCGGTCGGGCACCACTGCCATCAGGTTGAAGCGGATGTCGTGG-3'
Protein context (NP_004647.1, residues 233-253): VVPDRRIKYE[Ala243=]RLHVLKVNRQ